The following is an entry in ClinVar:

NM_152703.5(SAMD9L):c.3044T>C (p.Ile1015Thr)

Gene: SAMD9L (sterile alpha motif domain containing 9 like; minus strand). Cytogenetic location: 7q21.2.
Variant type: single nucleotide variant.
Coding change: c.3044T>C on transcript NM_152703.5 (MANE Select); coding-DNA position 3044, T replaced by C.
Protein change: p.Ile1015Thr; replaces isoleucine 1015 with threonine.
Molecular consequence: missense variant.
Genome position (GRCh38, 1-based): chr7:93,132,928, A>G on the plus strand (T>C on the coding strand, the complement: SAMD9L is on the minus strand). VCF-style: chr7-93132928-A-G. GRCh37 (hg19) VCF-style: chr7-92762241-A-G.
Other names: c.3044T>C, p.Ile1015Thr (NM_001303496.3, NM_001303497.3, NM_001303498.3 and 5 more transcripts); short protein forms I1015T.
Identifiers: ClinVar variation 5028953 (VCV005028953.1).
Genomic context (GRCh38, chr7:93,132,928, plus strand): 5'-ACATCATGTTGAAATTTGTCTCTTCCTATTCCAGAATCATAGAATAAATTCTCTTCTAAT[A>G]TATTCAATGCAATTTGACATTTATCCAAGTGATAGCTTCTTTCCAGTTCTTTTAGACAGT-3'
Protein context (NP_689916.2, residues 1005-1025): HLDKCQIALN[Ile1015Thr]LEENLFYDSG

ClinVar aggregate classification (germline): Uncertain significance (1 of 4 stars; one submission).

Conditions:
Inborn genetic diseases. Identifiers: MedGen C0950123, MeSH D030342.

Submission:

Ambry Genetics
Classification: Uncertain significance for Inborn genetic diseases. Last evaluated: 2026-08-15. Review status: criteria provided, single submitter. Criteria: Ambry Variant Classification Scheme 2023. Collection method: clinical testing. Allele origin: germline.
Comment: The p.I1015T variant (also known as c.3044T>C), located in coding exon 1 of the SAMD9L gene, results from a T to C substitution at nucleotide position 3044. The isoleucine at codon 1015 is replaced by threonine, an amino acid with similar properties. This amino acid position is conserved. In addition, this alteration is predicted to be tolerated by in silico analysis. Based on the available evidence, the clinical significance of this variant remains unclear.